The following continues an entry in ClinVar:

NM_000552.5(VWF):c.2561G>A (p.Arg854Gln)

Gene: VWF. ClinVar aggregate classification (germline): Pathogenic. Pathogenic (1).

Submission 55 of 55:

Joint Genome Diagnostic Labs from Nijmegen and Maastricht, Radboudumc and MUMC+
Classification: Pathogenic. Review status: no assertion criteria provided. Collection method: clinical testing. Allele origin: germline. Affected: yes. Study: VKGL Data-share Consensus. Not counted in ClinVar's aggregate classification.

Literature cited by the submitters: PubMed 11686103 (cited by Mayo Clinic Laboratories, Mayo Clinic); PubMed 16706266 (cited by Mayo Clinic Laboratories, Mayo Clinic); PubMed 1832934 (cited by 8 submitters); PubMed 19088379 (cited by Mayo Clinic Laboratories, Mayo Clinic); PubMed 22875612 (cited by 8 submitters); PubMed 23636243 (cited by 5 submitters); PubMed 28581694 (cited by 5 submitters); PubMed 28971901 (cited by 4 submitters); PubMed 29115006 (cited by Mayo Clinic Laboratories, Mayo Clinic and Victorian Clinical Genetics Services, Murdoch Childrens Research Institute); PubMed 8865544 (cited by Mayo Clinic Laboratories, Mayo Clinic); PubMed 15461624 (cited by 7 submitters); PubMed 16953269 (cited by 5 submitters); PubMed 20586924 (cited by Dasa and Versiti Diagnostic Laboratories, Versiti, Inc); PubMed 35189660 (cited by Dasa); PubMed 18712522 (cited by Dasa and Illumina Laboratory Services, Illumina); PubMed 33497541 (cited by Center for Genomic Medicine, Rigshospitalet, Copenhagen University Hospital); PubMed 35446929 (cited by Quest Diagnostics Nichols Institute San Juan Capistrano); PubMed 37872709 (cited by Quest Diagnostics Nichols Institute San Juan Capistrano); PubMed 38947547 (cited by Quest Diagnostics Nichols Institute San Juan Capistrano); PubMed 1906877 (cited by 4 submitters); PubMed 26207643 (cited by 3 submitters); PubMed 24928861 (cited by Quest Diagnostics Nichols Institute San Juan Capistrano and Versiti Diagnostic Laboratories, Versiti, Inc); PubMed 12353087 (cited by Quest Diagnostics Nichols Institute San Juan Capistrano and Pittsburgh Clinical Genomics Laboratory, University of Pittsburgh Medical Center); PubMed 20409624 (cited by 3 submitters); PubMed 1581215 (cited by 4 submitters); PubMed 20981092 (cited by Quest Diagnostics Nichols Institute San Juan Capistrano); PubMed 22197721 (cited by Quest Diagnostics Nichols Institute San Juan Capistrano and Illumina Laboratory Services, Illumina); PubMed 24029428 (cited by Quest Diagnostics Nichols Institute San Juan Capistrano); PubMed 21371195 (cited by 5 submitters); PubMed 9684781 (cited by Quest Diagnostics Nichols Institute San Juan Capistrano and Pittsburgh Clinical Genomics Laboratory, University of Pittsburgh Medical Center); PubMed 12211196 (cited by Quest Diagnostics Nichols Institute San Juan Capistrano); PubMed 15670054 (cited by Quest Diagnostics Nichols Institute San Juan Capistrano); PubMed 23426949 (cited by 3 submitters); PubMed 12588349 (cited by Pittsburgh Clinical Genomics Laboratory, University of Pittsburgh Medical Center); PubMed 26988807 (cited by Women's Health and Genetics/Laboratory Corporation of America, LabCorp); PubMed 19372260 (cited by Victorian Clinical Genetics Services, Murdoch Childrens Research Institute); PubMed 28987708 (cited by Victorian Clinical Genetics Services, Murdoch Childrens Research Institute); PubMed 26764160 (cited by Variantyx, Inc.); PubMed 31064749 (cited by Variantyx, Inc. and NIHR Bioresource Rare Diseases, University of Cambridge); PubMed 34355501 (cited by Variantyx, Inc.); PubMed 12176890 (cited by Variantyx, Inc.); PubMed 1918030 (cited by Variantyx, Inc. and Illumina Laboratory Services, Illumina); PubMed 31349985 (cited by Variantyx, Inc.); PubMed 16985174 (cited by Versiti Diagnostic Laboratories, Versiti, Inc and Illumina Laboratory Services, Illumina); PubMed 8500791 (cited by Illumina Laboratory Services, Illumina); PubMed 20301765 (cited by UNC Molecular Genetics  Laboratory, University of North Carolina at Chapel Hill); NCBI Bookshelf NBK7014 (cited by GeneReviews).